The following is an entry in ClinVar:

ClinVar aggregate classification (germline): Likely benign. Review status: criteria provided, multiple submitters, no conflicts (2 of 4 stars). 2 submissions from 2 submitters: Likely benign (2). Last evaluated 2024-12-06.

Conditions:
PKD1L1-related disorder. Also called: PKD1L1-related condition.

Allele frequency attached by ClinVar (database versions not stated): gnomAD exomes 0.00002 and 0.00003; gnomAD 0.00004; TOPMed 0.00006.
gnomAD v4.1: 39 of 1,613,998 alleles (0.0024%); highest among the groups gnomAD compares: Admixed American, 0.018%; no homozygotes.

Submissions (2):

PreventionGenetics, part of Exact Sciences
Classification: Likely benign for PKD1L1-related condition. Last evaluated: 2024-12-06. Review status: criteria provided, single submitter. Criteria: ACMG Guidelines, 2015. Collection method: clinical testing. Allele origin: germline.
Comment: This variant is classified as likely benign based on ACMG/AMP sequence variant interpretation guidelines (Richards et al. 2015 PMID: 25741868, with internal and published modifications).

Labcorp Genetics (formerly Invitae), Labcorp
Classification: Likely benign. Last evaluated: 2024-10-07. Review status: criteria provided, single submitter. Criteria: Invitae Variant Classification Sherloc (09022015). Collection method: clinical testing. Allele origin: germline.

NM_138295.5(PKD1L1):c.6448T>C (p.Leu2150=)

Gene: PKD1L1 (polycystin 1 like 1, transient receptor potential channel interacting; minus strand). Cytogenetic location: 7p12.3.
Variant type: single nucleotide variant.
Coding change: c.6448T>C on transcript NM_138295.5 (MANE Select); coding-DNA position 6448, T replaced by C.
Protein change: p.Leu2150=; no amino-acid change (leucine 2150 retained).
Molecular consequence: synonymous variant.
Genome position (GRCh38, 1-based): chr7:47,831,242, A>G on the plus strand (T>C on the coding strand, the complement: PKD1L1 is on the minus strand). VCF-style: chr7-47831242-A-G. GRCh37 (hg19) VCF-style: chr7-47870840-A-G.
Identifiers: ClinVar variation 770562 (VCV000770562.7), dbSNP rs1013120060, ClinGen allele CA158098457.